The following is an entry in ClinVar:

NM_020693.4(DSCAML1):c.2279A>T (p.Glu760Val)

Gene: DSCAML1 (DS cell adhesion molecule like 1; minus strand). Cytogenetic location: 11q23.3.
Variant type: single nucleotide variant.
Coding change: c.2279A>T on transcript NM_020693.4 (MANE Select); coding-DNA position 2279, A replaced by T.
Protein change: p.Glu760Val; replaces glutamic acid 760 with valine.
Molecular consequence: missense variant.
Genome position (GRCh38, 1-based): chr11:117,503,925, T>A on the plus strand (A>T on the coding strand, the complement: DSCAML1 is on the minus strand). VCF-style: chr11-117503925-T-A. GRCh37 (hg19) VCF-style: chr11-117374640-T-A.
Other names: c.2279A>T, p.Glu760Val (NM_001367904.1); c.2459A>T (NM_020693.2); short protein forms E760V.
Identifiers: ClinVar variation 3609106 (VCV003609106.3).
Genomic context (GRCh38, chr11:117,503,925, plus strand): 5'-GACTTGCTGATGTCGGTGCCTACGCCGTTGCTGGCCTGGCAGAGGTAGTAGCCGATGTCC[T>A]CTTCTAGGACGTGGCGGATCAGCAGCGAGCTGTTGGGCAGGATCTGGATGCGGCCAGTGA-3'
Protein context (NP_065744.3, residues 750-770): SSLLIRHVLE[Glu760Val]DIGYYLCQAS

ClinVar aggregate classification (germline): Uncertain significance. Review status: criteria provided, multiple submitters, no conflicts (2 of 4 stars). 2 submissions from 2 submitters: Uncertain significance (2). Last evaluated 2025-03-18.

gnomAD v4.1: 4 of 1,614,022 alleles (0.00025%); highest among the groups gnomAD compares: Non-Finnish European, 0.00034%; no homozygotes.

Submissions (2):

Ambry Genetics
Classification: Uncertain significance. Last evaluated: 2025-03-18. Review status: criteria provided, single submitter. Criteria: Ambry Variant Classification Scheme 2023. Collection method: clinical testing. Allele origin: germline.

Labcorp Genetics (formerly Invitae), Labcorp
Classification: Uncertain significance. Last evaluated: 2024-12-12. Review status: criteria provided, single submitter. Criteria: Invitae Variant Classification Sherloc (09022015). Collection method: clinical testing. Allele origin: germline.
Comment: This sequence change replaces glutamic acid, which is acidic and polar, with valine, which is neutral and non-polar, at codon 820 of the DSCAML1 protein (p.Glu820Val). This variant is not present in population databases (gnomAD no frequency). This variant has not been reported in the literature in individuals affected with DSCAML1-related conditions. An algorithm developed to predict the effect of missense changes on protein structure and function (PolyPhen-2) suggests that this variant is likely to be disruptive. In summary, the available evidence is currently insufficient to determine the role of this variant in disease. Therefore, it has been classified as a Variant of Uncertain Significance.